The following is an entry in ClinVar:

NM_145038.5(DRC1):c.26C>T (p.Ala9Val)

Gene: DRC1 (dynein regulatory complex subunit 1; plus strand). Cytogenetic location: 2p23.3.
Variant type: single nucleotide variant.
Coding change: c.26C>T on transcript NM_145038.5 (MANE Select); coding-DNA position 26, C replaced by T.
Protein change: p.Ala9Val; replaces alanine 9 with valine.
Molecular consequence: missense variant.
Genome position (GRCh38, 1-based): chr2:26,402,015, C>T. VCF-style: chr2-26402015-C-T. GRCh37 (hg19) VCF-style: chr2-26624883-C-T.
Other names: c.26C>T (NM_145038.2); short protein forms A9V.
Identifiers: ClinVar variation 571634 (VCV000571634.11), dbSNP rs146049908, ClinGen allele CA1561720.
Genomic context (GRCh38, chr2:26,402,015, plus strand): 5'-CGGAGGGAGCCGCCTAGGGACCAGGGACTCCTGCCATGAATCCGCCGGGGTCCCTAGAGG[C>T]CCTGGACCCGAACGTGGACGAGCACTTGTCCACCCAGATTCTCGCGCCCTCGGTCCACTC-3'
Protein context (NP_659475.2, residues 1-19): MNPPGSLE[Ala9Val]LDPNVDEHLS

ClinVar aggregate classification (germline): Conflicting classifications of pathogenicity. Review status: criteria provided, conflicting classifications (1 of 4 stars). 5 submissions from 5 submitters: Uncertain significance (3); Likely benign (2). Last evaluated 2025-09-26.

Conditions:
Inborn genetic diseases. Identifiers: MedGen C0950123, MeSH D030342.
Primary ciliary dyskinesia. Also called: Ciliary dyskinesia. Identifiers: Orphanet 244, MedGen C0008780, MONDO:0016575, HP:0012265.

Allele frequency attached by ClinVar (database versions not stated): ESP Exome Variant Server 0.00015; gnomAD 0.00021 and 0.00023; TOPMed 0.00029; gnomAD exomes 0.00035 and 0.00036; ExAC 0.00071.
gnomAD v4.1: 564 of 1,610,364 alleles (0.035%); highest among the groups gnomAD compares: Middle Eastern, 0.35%; no homozygotes.

Submissions (5):

GeneDx
Classification: Uncertain significance. Last evaluated: 2025-09-26. Review status: criteria provided, single submitter. Criteria: GeneDx Variant Classification Process June 2021. Collection method: clinical testing. Allele origin: germline.
Comment: In silico analysis suggests that this missense variant does not alter protein structure/function; Has not been previously published as pathogenic or benign to our knowledge

Blueprint Genetics
Classification: Likely benign. Last evaluated: 2024-11-14. Review status: criteria provided, single submitter. Criteria: ACMG Guidelines, 2015. Collection method: clinical testing. Allele origin: germline.

Labcorp Genetics (formerly Invitae), Labcorp
Classification: Uncertain significance for Primary ciliary dyskinesia. Last evaluated: 2022-09-07. Review status: criteria provided, single submitter. Criteria: Invitae Variant Classification Sherloc (09022015). Collection method: clinical testing. Allele origin: germline.
Comment: This sequence change replaces alanine, which is neutral and non-polar, with valine, which is neutral and non-polar, at codon 9 of the DRC1 protein (p.Ala9Val). This variant is present in population databases (rs146049908, gnomAD 0.06%). This variant has not been reported in the literature in individuals affected with DRC1-related conditions. ClinVar contains an entry for this variant (Variation ID: 571634). Algorithms developed to predict the effect of missense changes on protein structure and function output the following: SIFT: "Tolerated"; PolyPhen-2: "Benign"; Align-GVGD: "Class C0". The valine amino acid residue is found in multiple mammalian species, which suggests that this missense change does not adversely affect protein function. In summary, the available evidence is currently insufficient to determine the role of this variant in disease. Therefore, it has been classified as a Variant of Uncertain Significance.

Ambry Genetics
Classification: Likely benign for Inborn genetic diseases. Last evaluated: 2022-03-25. Review status: criteria provided, single submitter. Criteria: Ambry Variant Classification Scheme 2023. Collection method: clinical testing. Allele origin: germline.

Breakthrough Genomics
Classification: Uncertain significance. Review status: criteria provided, single submitter. Criteria: ACMG Guidelines, 2015. Collection method: not provided. Allele origin: germline. Inheritance: Autosomal recessive inheritance. Affected: yes.